The following is an entry in ClinVar:

NM_001723.7(DST):c.6337G>A (p.Glu2113Lys)

Gene: DST (dystonin; minus strand). Cytogenetic location: 6p12.1.
Variant type: single nucleotide variant.
Coding change: c.6337G>A on transcript NM_001723.7 (MANE Plus Clinical); coding-DNA position 6337, G replaced by A.
Protein change: p.Glu2113Lys; replaces glutamic acid 2113 with lysine.
Molecular consequence: missense variant. On other transcripts: intron variant (10).
Genome position (GRCh38, 1-based): chr6:56,617,130, C>T on the plus strand (G>A on the coding strand, the complement: DST is on the minus strand). VCF-style: chr6-56617130-C-T. GRCh37 (hg19) VCF-style: chr6-56481928-C-T.
Other names: c.4831-2646G>A (NM_001144769.5); c.4930-2646G>A (NM_001374722.1, NM_001374736.1); c.4957-2646G>A (NM_001374734.1); c.4417-2646G>A (NM_001144770.2); c.4297-2646G>A (NM_001374730.1, NM_001386100.1, NM_183380.4 and 1 more transcripts); c.3319-2646G>A (NM_015548.5); c.6337G>A (NM_001723.5); short protein forms E2113K.
Identifiers: ClinVar variation 1523767 (VCV001523767.9), dbSNP rs144755552, ClinGen allele CA3870189.
Genomic context (GRCh38, chr6:56,617,130, plus strand): 5'-GAAACTTGTTAAGAGTTTTCTGAACTTCTTCAACAGTCTTAAGACCGAGTCGCAGCTGCT[C>T]AATTGTTCTCATGTCCAGAAGCTTAGCTTCCACCAACTGCCTGGCAGTCACAGTGTGCCT-3'
Protein context (NP_001714.1, residues 2103-2123): EAKLLDMRTI[Glu2113Lys]QLRLGLKTVE

ClinVar aggregate classification (germline): Uncertain significance. Review status: criteria provided, multiple submitters, no conflicts (2 of 4 stars). 2 submissions from 2 submitters: Uncertain significance (2). Last evaluated 2026-02-03.

Conditions:
DST-related disorder. Also called: DST-related disorders; DST-related condition.
Epidermolysis bullosa simplex 3, localized or generalized intermediate, with BP230 deficiency (EBS3). Also called: Epidermolysis bullosa simplex, autosomal recessive 2; Epidermolysis bullosa simplex due to BP230 deficiency. Identifiers: Orphanet 412181, MedGen C3809470, MONDO:0014180, OMIM 615425.
Hereditary sensory and autonomic neuropathy type 6. Also called: HSAN VI; Neuropathy, hereditary sensory and autonomic, type VI. Identifiers: Orphanet 314381, MedGen C3539003, MONDO:0013839, OMIM 614653.

Allele frequency attached by ClinVar (database versions not stated): gnomAD exomes 0.00001 and 0.00004; ExAC 0.00006; gnomAD 0.00013; ESP Exome Variant Server 0.00015; TOPMed 0.00015; 1000 Genomes Project 0.00040; 1000 Genomes Project 30x 0.00047.
gnomAD v4.1: 30 of 1,609,432 alleles (0.0019%); highest among the groups gnomAD compares: African/African-American, 0.037%; no homozygotes.

Submissions (2):

PreventionGenetics, part of Exact Sciences
Classification: Uncertain significance for DST-related condition. Last evaluated: 2026-02-03. Review status: criteria provided, single submitter. Criteria: ACMG Guidelines, 2015. Collection method: clinical testing. Allele origin: germline.
Comment: The DST c.6337G>A variant is predicted to result in the amino acid substitution p.Glu2113Lys. To our knowledge, this variant has not been reported in the literature. This variant is reported in 0.052% of alleles in individuals of African descent in gnomAD. At this time, the clinical significance of this variant is uncertain due to the absence of conclusive functional and genetic evidence.

Labcorp Genetics (formerly Invitae), Labcorp
Classification: Uncertain significance for Epidermolysis bullosa simplex 3, localized or generalized intermediate, with BP230 deficiency; Hereditary sensory and autonomic neuropathy type 6. Last evaluated: 2023-05-01. Review status: criteria provided, single submitter. Criteria: Invitae Variant Classification Sherloc (09022015). Collection method: clinical testing. Allele origin: germline.
Comment: This sequence change replaces glutamic acid, which is acidic and polar, with lysine, which is basic and polar, at codon 2113 of the DST protein (p.Glu2113Lys). This variant is present in population databases (rs144755552, gnomAD 0.05%). In summary, the available evidence is currently insufficient to determine the role of this variant in disease. Therefore, it has been classified as a Variant of Uncertain Significance. An algorithm developed to predict the effect of missense changes on protein structure and function (PolyPhen-2) suggests that this variant is likely to be disruptive. ClinVar contains an entry for this variant (Variation ID: 1523767). This variant has not been reported in the literature in individuals affected with DST-related conditions.